The following is an entry in ClinVar:

ClinVar aggregate classification (germline): Uncertain significance (1 of 4 stars; one submission).

Submission:

GeneDx
Classification: Uncertain significance. Last evaluated: 2025-06-13. Review status: criteria provided, single submitter. Criteria: GeneDx Variant Classification Process June 2021. Collection method: clinical testing. Allele origin: germline. Affected: yes.
Comment: Not observed at significant frequency in large population cohorts (gnomAD); In silico analysis supports that this missense variant has a deleterious effect on protein structure/function; Has not been previously published as pathogenic or benign to our knowledge

NM_181303.2(NLGN3):c.170C>G (p.Pro57Arg)

Gene: NLGN3 (neuroligin 3; plus strand). Cytogenetic location: Xq13.1.
Variant type: single nucleotide variant.
Coding change: c.170C>G on transcript NM_181303.2 (MANE Select); coding-DNA position 170, C replaced by G.
Protein change: p.Pro57Arg; replaces proline 57 with arginine.
Molecular consequence: missense variant. On other transcripts: intron variant (4).
Genome position (GRCh38, 1-based): chrX:71,147,919, C>G. VCF-style: chrX-71147919-C-G. GRCh37 (hg19) VCF-style: chrX-70367769-C-G.
Other names: c.170C>G, p.Pro57Arg (NM_001166660.2, NM_018977.4); c.-38-144C>G (NM_001438296.1, NM_001438298.1, NM_001437941.1 and 1 more transcripts); short protein forms P57R.
Identifiers: ClinVar variation 4537802 (VCV004537802.1).
Genomic context (GRCh38, chrX:71,147,919, plus strand): 5'-CCCAGGCCCCAGCACCCACAGTCAACACTCACTTTGGGAAGCTAAGGGGTGCCCGAGTAC[C>G]ACTGCCCAGTGAGATCCTGGGGCCTGTGGACCAATACCTGGGGGTGCCCTACGCAGCTCC-3'
Protein context (NP_851820.1, residues 47-67): HFGKLRGARV[Pro57Arg]LPSEILGPVD